The following is an entry in ClinVar:

ClinVar aggregate classification (germline): Uncertain significance (1 of 4 stars; one submission).

Conditions:
Inborn genetic diseases. Identifiers: MedGen C0950123, MeSH D030342.

Submission:

Ambry Genetics
Classification: Uncertain significance for Inborn genetic diseases. Last evaluated: 2025-06-28. Review status: criteria provided, single submitter. Criteria: Ambry Variant Classification Scheme 2023. Collection method: clinical testing. Allele origin: germline.
Comment: The p.G512V variant (also known as c.1535G>T), located in coding exon 15 of the ANKRD26 gene, results from a G to T substitution at nucleotide position 1535. The glycine at codon 512 is replaced by valine, an amino acid with dissimilar properties. This amino acid position is conserved. In addition, this alteration is predicted to be tolerated by in silico analysis. Based on the available evidence, the clinical significance of this variant remains unclear.

NM_014915.3(ANKRD26):c.1535G>T (p.Gly512Val)

Gene: ANKRD26 (ankyrin repeat domain containing 26; minus strand). Cytogenetic location: 10p12.1.
Variant type: single nucleotide variant.
Coding change: c.1535G>T on transcript NM_014915.3 (MANE Select); coding-DNA position 1535, G replaced by T.
Protein change: p.Gly512Val; replaces glycine 512 with valine.
Molecular consequence: missense variant.
Genome position (GRCh38, 1-based): chr10:27,060,374, C>A on the plus strand (G>T on the coding strand, the complement: ANKRD26 is on the minus strand). VCF-style: chr10-27060374-C-A. GRCh37 (hg19) VCF-style: chr10-27349303-C-A.
Other names: c.1535G>T, p.Gly512Val (NM_001256053.2); short protein forms G512V.
Identifiers: ClinVar variation 4103129 (VCV004103129.1).